The following is an entry in ClinVar:

ClinVar aggregate classification (germline): Benign (1 of 4 stars; one submission).

Conditions:
MELAS syndrome (MELAS). Also called: Juvenile myopathy, encephalopathy, lactic acidosis, stroke. Identifiers: Orphanet 550, MedGen C0162671, MONDO:0010789, OMIM 540000.

Submission:

Wong Mito Lab, Molecular and Human Genetics, Baylor College of Medicine
Classification: Benign for MELAS syndrome. Last evaluated: 2019-07-12. Review status: criteria provided, single submitter. Criteria: Modified ACMG Guidelines (Unpublished). Collection method: clinical testing. Allele origin: germline.
Comment: The NC_012920.1:m.5665A>G variant in MT-TN gene is interpreted to be a Benign variant based on the modified ACMG guidelines (unpublished). This variant meets the following evidence codes reported in the guidelines: BS1, BS4, BP4

Literature cited by the submitters: PubMed 31965079.

NC_012920.1(MT-TN):m.5665A>G

Gene: MT-TN (mitochondrially encoded tRNA asparagine; minus strand).
Variant type: single nucleotide variant.
Genome position: chrM-5665-A-G.
Identifiers: ClinVar variation 689971 (VCV000689971.1), dbSNP rs1603220080, ClinGen allele CA913180169.